The following is an entry in ClinVar:

NM_015450.3(POT1):c.967T>A (p.Leu323Ile)

Gene: POT1 (protection of telomeres 1; minus strand). Cytogenetic location: 7q31.33.
Variant type: single nucleotide variant.
Coding change: c.967T>A on transcript NM_015450.3 (MANE Select); coding-DNA position 967, T replaced by A.
Protein change: p.Leu323Ile; replaces leucine 323 with isoleucine.
Molecular consequence: missense variant. On other transcripts: non-coding transcript variant (3).
Genome position (GRCh38, 1-based): chr7:124,846,981, A>T on the plus strand (T>A on the coding strand, the complement: POT1 is on the minus strand). VCF-style: chr7-124846981-A-T. GRCh37 (hg19) VCF-style: chr7-124487035-A-T.
Other names: c.574T>A, p.Leu192Ile (NM_001042594.2); short protein forms L323I, L192I.
Identifiers: ClinVar variation 3936279 (VCV003936279.1).
Genomic context (GRCh38, chr7:124,846,981, plus strand): 5'-AAAAATGATACATAGTCTTACTTGTAGCAGATAGCTGTTGACATCTTTCTACCTCGTATA[A>T]TGATACTGATCCAGAGCCTATAAAAAGGAAAAGGCAAAAAAATTAAGTCCATTACAACTT-3'
Protein context (NP_056265.2, residues 313-333): DSFPSSGSVS[Leu323Ile]YEVERCQQLS

ClinVar aggregate classification (germline): Uncertain significance (1 of 4 stars; one submission).

Conditions:
Hereditary cancer-predisposing syndrome. Also called: Tumor predisposition; Hereditary neoplastic syndrome; Hereditary Cancer Syndrome; Neoplastic Syndromes, Hereditary. Identifiers: Orphanet 140162, MedGen C0027672, MeSH D009386, MONDO:0015356.

Submission:

Ambry Genetics
Classification: Uncertain significance for Hereditary cancer-predisposing syndrome. Last evaluated: 2025-03-30. Review status: criteria provided, single submitter. Criteria: Ambry Variant Classification Scheme 2023. Collection method: clinical testing. Allele origin: germline.
Comment: The p.L323I variant (also known as c.967T>A), located in coding exon 8 of the POT1 gene, results from a T to A substitution at nucleotide position 967. The leucine at codon 323 is replaced by isoleucine, an amino acid with highly similar properties. This amino acid position is conserved. In addition, this alteration is predicted to be tolerated by in silico analysis. Based on the available evidence, the clinical significance of this variant remains unclear.